The following is an entry in ClinVar:

ClinVar aggregate classification (germline): Uncertain significance (1 of 4 stars; one submission).

Allele frequency attached by ClinVar (database versions not stated): gnomAD exomes below 0.00001; gnomAD 0.00001; TOPMed 0.00001; ESP Exome Variant Server 0.00008.
gnomAD v4.1: 11 of 1,587,908 alleles (0.00069%); highest among the groups gnomAD compares: Middle Eastern, 0.023%; no homozygotes.

Submission:

Labcorp Genetics (formerly Invitae), Labcorp
Classification: Uncertain significance. Last evaluated: 2022-02-05. Review status: criteria provided, single submitter. Criteria: Invitae Variant Classification Sherloc (09022015). Collection method: clinical testing. Allele origin: germline.
Comment: This sequence change replaces glutamic acid, which is acidic and polar, with lysine, which is basic and polar, at codon 1487 of the PCNT protein (p.Glu1487Lys). The frequency data for this variant in the population databases is considered unreliable, as metrics indicate poor data quality at this position in the gnomAD database. This variant has not been reported in the literature in individuals affected with PCNT-related conditions. Algorithms developed to predict the effect of missense changes on protein structure and function (SIFT, PolyPhen-2, Align-GVGD) all suggest that this variant is likely to be disruptive. In summary, the available evidence is currently insufficient to determine the role of this variant in disease. Therefore, it has been classified as a Variant of Uncertain Significance.

NM_006031.6(PCNT):c.4459G>A (p.Glu1487Lys)

Gene: PCNT (pericentrin; plus strand). Cytogenetic location: 21q22.3.
Variant type: single nucleotide variant.
Coding change: c.4459G>A on transcript NM_006031.6 (MANE Select); coding-DNA position 4459, G replaced by A.
Protein change: p.Glu1487Lys; replaces glutamic acid 1487 with lysine.
Molecular consequence: missense variant.
Genome position (GRCh38, 1-based): chr21:46,398,026, G>A. VCF-style: chr21-46398026-G-A. GRCh37 (hg19) VCF-style: chr21-47817940-G-A.
Other names: c.4105G>A, p.Glu1369Lys (NM_001315529.2); short protein forms E1369K, E1487K.
Identifiers: ClinVar variation 1502648 (VCV001502648.5), dbSNP rs368525476, ClinGen allele CA322035981.
Genomic context (GRCh38, chr21:46,398,026, plus strand): 5'-CACGCCAGCCCCGTTGGGGTGGTCCCAACACGCTGCCTCTCCTCCCAGGAGCAGGCAGCC[G>A]AGCGGGAGCACGAGCGCGAGGAGTTCCAGCAGGAGATTCAGAGGCTGGAGGGGCAGCTCC-3'
Protein context (NP_006022.3, residues 1477-1497): QRQFMDEQAA[Glu1487Lys]REHEREEFQQ